The following is an entry in ClinVar:

NM_000138.5(FBN1):c.4272A>G (p.Pro1424=)

Genes: FBN1 (fibrillin 1; minus strand), LOC126862124 (CDK7 strongly-dependent group 2 enhancer GRCh37_chr15:48764566-48765765; plus strand). Cytogenetic location: 15q21.1.
Variant type: single nucleotide variant.
Coding change: c.4272A>G on transcript NM_000138.5 (MANE Select); coding-DNA position 4272, A replaced by G.
Protein change: p.Pro1424=; no amino-acid change (proline 1424 retained).
Molecular consequence: synonymous variant.
Genome position (GRCh38, 1-based): chr15:48,472,615, T>C on the plus strand (A>G on the coding strand, the complement: FBN1 is on the minus strand). VCF-style: chr15-48472615-T-C. GRCh37 (hg19) VCF-style: chr15-48764812-T-C.
Identifiers: ClinVar variation 1332357 (VCV001332357.11), dbSNP rs1187173937, ClinGen allele CA490013449.

ClinVar aggregate classification (germline): Likely benign. Review status: criteria provided, multiple submitters, no conflicts (2 of 4 stars). 3 submissions from 3 submitters: Likely benign (3). Last evaluated 2025-03-16.

Conditions:
Familial thoracic aortic aneurysm and aortic dissection (TAAD). Also called: Thoracic aortic aneurysms and dissections. Identifiers: Orphanet 91387, MedGen C4707243, MONDO:0019625.
Marfan syndrome (MFS). Also called: Marfan syndrome type 1; Marfan's syndrome; FBN1-Related Marfan Syndrome; MARFAN SYNDROME, TYPE I; Marfan syndrome, classic. Identifiers: Orphanet 284963, Orphanet 558, MedGen C0024796, MONDO:0007947, OMIM 154700.

Allele frequency attached by ClinVar (database versions not stated): gnomAD exomes 0.00001.
gnomAD v4.1: 5 of 1,614,210 alleles (0.00031%); highest among the groups gnomAD compares: Non-Finnish European, 0.00042%; no homozygotes.

Submissions (3):

Labcorp Genetics (formerly Invitae), Labcorp
Classification: Likely benign for Marfan syndrome; Familial thoracic aortic aneurysm and aortic dissection. Last evaluated: 2025-03-16. Review status: criteria provided, single submitter. Criteria: Invitae Variant Classification Sherloc (09022015). Collection method: clinical testing. Allele origin: germline.

All of Us Research Program, National Institutes of Health
Classification: Likely benign for Marfan syndrome. Last evaluated: 2023-05-16. Review status: criteria provided, single submitter. Criteria: ACMG Guidelines, 2015. Collection method: clinical testing. Allele origin: germline. Inheritance: Autosomal dominant inheritance. Observed: 1 variant allele, 1 heterozygote.
Comment: This study involves interpretation of variants in research participants for the purpose of population health screening. Participant phenotype was not available at the time of variant classification. Additional details can be found in publication PMID: 35346344, PMCID: PMC8962531

Color Diagnostics, LLC DBA Color Health
Classification: Likely benign for Familial thoracic aortic aneurysm and aortic dissection. Last evaluated: 2021-03-02. Review status: criteria provided, single submitter. Criteria: ACMG Guidelines, 2015. Collection method: clinical testing. Allele origin: germline.